The following is an entry in ClinVar:

ClinVar aggregate classification (germline): Uncertain significance (1 of 4 stars; one submission).

gnomAD v4.1: 1 of 1,613,042 alleles (0.000062%); highest among the groups gnomAD compares: Non-Finnish European, 0.000085%; no homozygotes.

Submission:

GeneDx
Classification: Uncertain significance. Last evaluated: 2024-03-04. Review status: criteria provided, single submitter. Criteria: GeneDx Variant Classification Process June 2021. Collection method: clinical testing. Allele origin: germline. Affected: yes.
Comment: Has not been previously published as pathogenic or benign to our knowledge; Not observed at significant frequency in large population cohorts (gnomAD); In silico analysis supports that this missense variant has a deleterious effect on protein structure/function

NM_001032283.3(TMPO):c.1028A>G (p.Asp343Gly)

Gene: TMPO (thymopoietin; plus strand). Cytogenetic location: 12q23.1.
Variant type: single nucleotide variant.
Coding change: c.1028A>G on transcript NM_001032283.3 (MANE Select); coding-DNA position 1028, A replaced by G.
Protein change: p.Asp343Gly; replaces aspartic acid 343 with glycine.
Molecular consequence: missense variant.
Genome position (GRCh38, 1-based): chr12:98,546,396, A>G. VCF-style: chr12-98546396-A-G. GRCh37 (hg19) VCF-style: chr12-98940174-A-G.
Other names: c.701A>G, p.Asp234Gly (NM_001032284.3); c.908A>G, p.Asp303Gly (NM_001307975.2); short protein forms D234G, D303G, D343G.
Identifiers: ClinVar variation 3373531 (VCV003373531.1).